The following is an entry in ClinVar:

ClinVar aggregate classification (germline): Conflicting classifications of pathogenicity. Review status: criteria provided, conflicting classifications (1 of 4 stars). 9 submissions from 9 submitters: Uncertain significance (7); Benign (1). 1 of the submissions does not count toward it. Last evaluated 2026-01-28.

Conditions:
Nemaline myopathy 2 (NEM2). Also called: Nemaline myopathy 2, autosomal recessive. Identifiers: MedGen C1850569, MONDO:0009725, OMIM 256030.

Allele frequency attached by ClinVar (database versions not stated): ESP Exome Variant Server 0.00008; gnomAD 0.00011; TOPMed 0.00012; ExAC 0.00013; 1000 Genomes Project 30x 0.00016; gnomAD exomes 0.00019; 1000 Genomes Project 0.00020.
gnomAD v4.1: 214 of 1,613,738 alleles (0.013%); highest among the groups gnomAD compares: Middle Eastern, 0.05%; no homozygotes.

Submissions (9):

Labcorp Genetics (formerly Invitae), Labcorp
Classification: Benign for Nemaline myopathy 2. Last evaluated: 2026-01-28. Review status: criteria provided, single submitter. Criteria: Invitae Variant Classification Sherloc (09022015). Collection method: clinical testing. Allele origin: germline.

Blueprint Genetics
Classification: Uncertain significance. Last evaluated: 2024-11-05. Review status: criteria provided, single submitter. Criteria: ACMG Guidelines, 2015. Collection method: clinical testing. Allele origin: germline.

Revvity Omics, Revvity
Classification: Uncertain significance. Last evaluated: 2024-06-21. Review status: criteria provided, single submitter. Criteria: ACMG Guidelines, 2015. Collection method: clinical testing. Allele origin: germline.

CeGaT Center for Human Genetics Tuebingen
Classification: Uncertain significance. Last evaluated: 2024-02-01. Review status: criteria provided, single submitter. Criteria: CeGaT Center For Human Genetics Tuebingen Variant Classification Criteria Version 2. Collection method: clinical testing. Allele origin: germline. Affected: yes. Observed: 3 variant alleles.
Comment: NEB: PP3

Athena Diagnostics
Classification: Uncertain significance. Last evaluated: 2024-01-11. Review status: criteria provided, single submitter. Criteria: Athena Diagnostics Criteria. Collection method: clinical testing. Allele origin: unknown.
Comment: Available data are insufficient to determine the clinical significance of the variant at this time. The frequency of this variant in the general population is uninformative in assessment of its pathogenicity. Computational tools disagree on the variant's effect on normal protein function.

Mayo Clinic Laboratories, Mayo Clinic
Classification: Uncertain significance. Last evaluated: 2021-09-17. Review status: criteria provided, single submitter. Criteria: ACMG Guidelines, 2015. Collection method: clinical testing. Allele origin: germline.

Illumina Laboratory Services, Illumina
Classification: Uncertain significance for Nemaline myopathy 2. Last evaluated: 2018-01-13. Review status: criteria provided, single submitter. Criteria: ICSL Variant Classification Criteria 13 December 2019. Collection method: clinical testing. Allele origin: germline.

Breakthrough Genomics
Classification: Uncertain significance. Review status: criteria provided, single submitter. Criteria: ACMG Guidelines, 2015. Collection method: not provided. Allele origin: germline. Inheritance: Autosomal recessive inheritance. Affected: yes.

Natera, Inc.
Classification: Uncertain significance for Nemaline myopathy type 2. Last evaluated: 2019-11-11. Review status: no assertion criteria provided. Collection method: clinical testing. Allele origin: germline. Not counted in ClinVar's aggregate classification.

Literature cited by the submitters: PubMed 29970176 (cited by Athena Diagnostics).

NM_001164508.2(NEB):c.20212G>A (p.Asp6738Asn)

Gene: NEB (nebulin; minus strand). Cytogenetic location: 2q23.3.
Variant type: single nucleotide variant.
Coding change: c.20212G>A on transcript NM_001164508.2 (MANE Select); coding-DNA position 20212, G replaced by A.
Protein change: p.Asp6738Asn; replaces aspartic acid 6738 with asparagine.
Molecular consequence: missense variant.
Genome position (GRCh38, 1-based): chr2:151,547,684, C>T on the plus strand (G>A on the coding strand, the complement: NEB is on the minus strand). VCF-style: chr2-151547684-C-T. GRCh37 (hg19) VCF-style: chr2-152404198-C-T.
Other names: p.Asp5037Asn; c.20212G>A, p.Asp6738Asn (NM_001164507.2, NM_001271208.2); c.15109G>A, p.Asp5037Asn (NM_004543.5); short protein forms D5037N, D6738N.
Identifiers: ClinVar variation 331436 (VCV000331436.48), dbSNP rs201337732, ClinGen allele CA1907391.